The following is an entry in ClinVar:

ClinVar aggregate classification (germline): Uncertain significance. Review status: criteria provided, multiple submitters, no conflicts (2 of 4 stars). 4 submissions from 4 submitters: Uncertain significance (4). Last evaluated 2025-01-27.

Conditions:
Developmental and epileptic encephalopathy, 34 (DEE34). Also called: Early infantile epileptic encephalopathy 34; SLC12A5-Related Epilepsy of Infancy with Migrating Focal Seizures. Identifiers: Orphanet 293181, MedGen C4225257, MONDO:0014718, OMIM 616645.

Allele frequency attached by ClinVar (database versions not stated): ExAC 0.00021; gnomAD exomes 0.00026 and 0.00055; gnomAD 0.00035; TOPMed 0.00043; ESP Exome Variant Server 0.00054.

Submissions (4):

Labcorp Genetics (formerly Invitae), Labcorp
Classification: Uncertain significance for Developmental and epileptic encephalopathy, 34. Last evaluated: 2025-01-27. Review status: criteria provided, single submitter. Criteria: Invitae Variant Classification Sherloc (09022015). Collection method: clinical testing. Allele origin: germline.
Comment: This sequence change replaces arginine, which is basic and polar, with cysteine, which is neutral and slightly polar, at codon 96 of the SLC12A5 protein (p.Arg96Cys). This variant is present in population databases (rs145700012, gnomAD 0.05%). This variant has not been reported in the literature in individuals affected with SLC12A5-related conditions. ClinVar contains an entry for this variant (Variation ID: 642504). Invitae Evidence Modeling of protein sequence and biophysical properties (such as structural, functional, and spatial information, amino acid conservation, physicochemical variation, residue mobility, and thermodynamic stability) indicates that this missense variant is not expected to disrupt SLC12A5 protein function with a negative predictive value of 80%. In summary, the available evidence is currently insufficient to determine the role of this variant in disease. Therefore, it has been classified as a Variant of Uncertain Significance.

Blueprint Genetics
Classification: Uncertain significance. Last evaluated: 2024-05-31. Review status: criteria provided, single submitter. Criteria: ACMG Guidelines, 2015. Collection method: clinical testing. Allele origin: germline.

Ambry Genetics
Classification: Uncertain significance. Last evaluated: 2022-06-23. Review status: criteria provided, single submitter. Criteria: Ambry Variant Classification Scheme 2023. Collection method: clinical testing. Allele origin: germline.
Comment: The c.355C>T (p.R119C) alteration is located in exon 4 (coding exon 4) of the SLC12A5 gene. This alteration results from a C to T substitution at nucleotide position 355, causing the arginine (R) at amino acid position 119 to be replaced by a cysteine (C). The p.R119C alteration is predicted to be tolerated by in silico analysis. Based on insufficient or conflicting evidence, the clinical significance of this alteration remains unclear.

CeGaT Center for Human Genetics Tuebingen
Classification: Uncertain significance. Last evaluated: 2021-07-01. Review status: criteria provided, single submitter. Criteria: CeGaT Center For Human Genetics Tuebingen Variant Classification Criteria Version 2. Collection method: clinical testing. Allele origin: germline. Affected: yes. Observed: 1 variant allele.

NM_020708.5(SLC12A5):c.286C>T (p.Arg96Cys)

Gene: SLC12A5 (solute carrier family 12 member 5; plus strand). Cytogenetic location: 20q13.12.
Variant type: single nucleotide variant.
Coding change: c.286C>T on transcript NM_020708.5 (MANE Select); coding-DNA position 286, C replaced by T.
Protein change: p.Arg96Cys; replaces arginine 96 with cysteine.
Molecular consequence: missense variant.
Genome position (GRCh38, 1-based): chr20:46,035,783, C>T. VCF-style: chr20-46035783-C-T. GRCh37 (hg19) VCF-style: chr20-44664422-C-T.
Other names: c.355C>T, p.Arg119Cys (NM_001134771.2); c.355C>T (NM_001134771.1); short protein forms R119C, R96C.
Identifiers: ClinVar variation 642504 (VCV000642504.43), dbSNP rs145700012, ClinGen allele CA9887031.